The following is an entry in ClinVar:

NM_021975.4(RELA):c.1310C>T (p.Ser437Leu)

Gene: RELA (RELA proto-oncogene, NF-kB subunit; minus strand). Cytogenetic location: 11q13.1.
Variant type: single nucleotide variant.
Coding change: c.1310C>T on transcript NM_021975.4 (MANE Select); coding-DNA position 1310, C replaced by T.
Protein change: p.Ser437Leu; replaces serine 437 with leucine.
Molecular consequence: missense variant. On other transcripts: intron variant (1).
Genome position (GRCh38, 1-based): chr11:65,654,724, G>A on the plus strand (C>T on the coding strand, the complement: RELA is on the minus strand). VCF-style: chr11-65654724-G-A. GRCh37 (hg19) VCF-style: chr11-65422195-G-A.
Other names: c.1301C>T, p.Ser434Leu (NM_001145138.2); c.1103C>T, p.Ser368Leu (NM_001243984.2); c.1343C>T, p.Ser448Leu (NM_001404657.1); c.1283C>T, p.Ser428Leu (NM_001404658.1); c.1097C>T, p.Ser366Leu (NM_001404659.1); c.992C>T, p.Ser331Leu (NM_001404660.1); c.929C>T, p.Ser310Leu (NM_001404661.1); c.1217C>T, p.Ser406Leu (NM_001404662.1, NM_001404663.1); and 1 more; short protein forms S368L, S406L, S428L, S448L, S331L, S437L, S310L, S366L.
Identifiers: ClinVar variation 4732453 (VCV004732453.1).

ClinVar aggregate classification (germline): Uncertain significance (1 of 4 stars; one submission).

Submission:

Labcorp Genetics (formerly Invitae), Labcorp
Classification: Uncertain significance. Last evaluated: 2025-12-03. Review status: criteria provided, single submitter. Criteria: Invitae Variant Classification Sherloc (09022015). Collection method: clinical testing. Allele origin: germline.
Comment: This sequence change replaces serine, which is neutral and polar, with leucine, which is neutral and non-polar, at codon 437 of the RELA protein (p.Ser437Leu). This variant is not present in population databases (gnomAD no frequency). This variant has not been reported in the literature in individuals affected with RELA-related conditions. An algorithm developed to predict the effect of missense changes on protein structure and function (PolyPhen-2) suggests that this variant is likely to be disruptive. In summary, the available evidence is currently insufficient to determine the role of this variant in disease. Therefore, it has been classified as a Variant of Uncertain Significance.